The following is an entry in ClinVar:

ClinVar aggregate classification (germline): Likely benign. Review status: criteria provided, multiple submitters, no conflicts (2 of 4 stars). 2 submissions from 2 submitters: Likely benign (2). Last evaluated 2026-09-02.

Conditions:
COL18A1-related disorder. Also called: COL18A1-related disorders; COL18A1-related condition.

Allele frequency attached by ClinVar (database versions not stated): gnomAD exomes 0.00002 and 0.00003; ExAC 0.00003; gnomAD 0.00004; TOPMed 0.00004.
gnomAD v4.1: 31 of 1,613,262 alleles (0.0019%); highest among the groups gnomAD compares: African/African-American, 0.008%; no homozygotes.

Submissions (2):

PreventionGenetics, part of Exact Sciences
Classification: Likely benign for COL18A1-related condition. Last evaluated: 2026-09-02. Review status: criteria provided, single submitter. Criteria: ACMG Guidelines, 2015. Collection method: clinical testing. Allele origin: germline.
Comment: This variant is classified as likely benign based on ACMG/AMP sequence variant interpretation guidelines (Richards et al. 2015 PMID: 25741868, with internal and published modifications).

Labcorp Genetics (formerly Invitae), Labcorp
Classification: Likely benign. Last evaluated: 2025-10-02. Review status: criteria provided, single submitter. Criteria: Invitae Variant Classification Sherloc (09022015). Collection method: clinical testing. Allele origin: germline.

NM_001379500.1(COL18A1):c.177G>A (p.Thr59=)

Gene: COL18A1 (collagen type XVIII alpha 1 chain; plus strand). Cytogenetic location: 21q22.3.
Variant type: single nucleotide variant.
Coding change: c.177G>A on transcript NM_001379500.1 (MANE Select); coding-DNA position 177, G replaced by A.
Protein change: p.Thr59=; no amino-acid change (threonine 59 retained).
Molecular consequence: synonymous variant.
Genome position (GRCh38, 1-based): chr21:45,468,312, G>A. VCF-style: chr21-45468312-G-A. GRCh37 (hg19) VCF-style: chr21-46888226-G-A.
Other names: c.717G>A, p.Thr239= (NM_030582.4); c.1422G>A, p.Thr474= (NM_130444.3); c.717G>A (NM_030582.3).
Identifiers: ClinVar variation 1114348 (VCV001114348.10), dbSNP rs779044009, ClinGen allele CA10065691.
Genomic context (GRCh38, chr21:45,468,312, plus strand): 5'-CGAGGAGGTGGGGCTGCTGCAGCTCCTTGGGGACCCCCCGCCCCAGCAGGTCACCCAGAC[G>A]GATGACCCCGACGTCGGGCTGGCCTACGTCTTTGGGCCAGATGCCAACAGTGGCCAAGTG-3'
Protein context (NP_001366429.1, residues 49-69): GDPPPQQVTQ[Thr59=]DDPDVGLAYV